The following is an entry in ClinVar:

ClinVar aggregate classification (germline): Uncertain significance (1 of 4 stars; one submission).

Submission:

Labcorp Genetics (formerly Invitae), Labcorp
Classification: Uncertain significance. Last evaluated: 2022-06-01. Review status: criteria provided, single submitter. Criteria: Invitae Variant Classification Sherloc (09022015). Collection method: clinical testing. Allele origin: germline.
Comment: Algorithms developed to predict the effect of missense changes on protein structure and function output the following: SIFT: "Deleterious"; PolyPhen-2: "Benign"; Align-GVGD: "Class C55". The alanine amino acid residue is found in multiple mammalian species, which suggests that this missense change does not adversely affect protein function. In summary, the available evidence is currently insufficient to determine the role of this variant in disease. Therefore, it has been classified as a Variant of Uncertain Significance. This variant has not been reported in the literature in individuals affected with NBAS-related conditions. This sequence change replaces valine, which is neutral and non-polar, with alanine, which is neutral and non-polar, at codon 2191 of the NBAS protein (p.Val2191Ala). This variant is not present in population databases (gnomAD no frequency).

NM_015909.4(NBAS):c.6572T>C (p.Val2191Ala)

Gene: NBAS (NBAS subunit of NRZ tethering complex; minus strand). Cytogenetic location: 2p24.3.
Variant type: single nucleotide variant.
Coding change: c.6572T>C on transcript NM_015909.4 (MANE Select); coding-DNA position 6572, T replaced by C.
Protein change: p.Val2191Ala; replaces valine 2191 with alanine.
Molecular consequence: missense variant. On other transcripts: non-coding transcript variant (1).
Genome position (GRCh38, 1-based): chr2:15,190,264, A>G on the plus strand (T>C on the coding strand, the complement: NBAS is on the minus strand). VCF-style: chr2-15190264-A-G. GRCh37 (hg19) VCF-style: chr2-15330388-A-G.
Other names: short protein forms V2191A.
Identifiers: ClinVar variation 1999882 (VCV001999882.4), dbSNP rs2528030189, ClinGen allele CA345919801.